The following is an entry in ClinVar:

NM_000038.6(APC):c.2211C>A (p.Tyr737Ter)

Gene: APC (APC regulator of Wnt signaling pathway; plus strand). Cytogenetic location: 5q22.2.
Variant type: single nucleotide variant.
Coding change: c.2211C>A on transcript NM_000038.6 (MANE Select); coding-DNA position 2211, C replaced by A.
Protein change: p.Tyr737Ter; replaces tyrosine 737 with a stop codon.
Molecular consequence: nonsense.
Genome position (GRCh38, 1-based): chr5:112,837,805, C>A. VCF-style: chr5-112837805-C-A. GRCh37 (hg19) VCF-style: chr5-112173502-C-A.
Other names: c.2211C>A, p.Tyr737Ter (NM_001127510.3, NM_001354895.2); c.2157C>A, p.Tyr719Ter (NM_001127511.3); c.2265C>A, p.Tyr755Ter (NM_001354896.2); c.2241C>A, p.Tyr747Ter (NM_001354897.2); c.2136C>A, p.Tyr712Ter (NM_001354898.2); c.2127C>A, p.Tyr709Ter (NM_001354899.2); c.2088C>A, p.Tyr696Ter (NM_001354900.2); c.2034C>A, p.Tyr678Ter (NM_001354901.2); and 5 more; short protein forms Y709*, Y712*, Y737*, Y755*, Y454*, Y611*, Y678*, Y696*.
Identifiers: ClinVar variation 942080 (VCV000942080.12), dbSNP rs1765131004, ClinGen allele CA16026175.

ClinVar aggregate classification (germline): Pathogenic. Review status: criteria provided, multiple submitters, no conflicts (2 of 4 stars). 2 submissions from 2 submitters: Pathogenic (2). Last evaluated 2023-05-04.

Conditions:
Familial adenomatous polyposis 1 (FAP1). Also called: FAMILIAL ADENOMATOUS POLYPOSIS 1, ATTENUATED; POLYPOSIS, ADENOMATOUS INTESTINAL. Identifiers: MedGen C2713442, MONDO:0021056, OMIM 175100. Disease mechanism: loss of function.

Submissions (2):

Myriad Genetics, Inc.
Classification: Pathogenic for Familial adenomatous polyposis 1. Last evaluated: 2023-05-04. Review status: criteria provided, single submitter. Criteria: Myriad Autosomal Dominant, Autosomal Recessive and X-Linked Classification Criteria (2023). Collection method: clinical testing. Allele origin: unknown.
Comment: This variant is considered pathogenic. This variant creates a termination codon and is predicted to result in premature protein truncation.

Labcorp Genetics (formerly Invitae), Labcorp
Classification: Pathogenic for Familial adenomatous polyposis 1. Last evaluated: 2019-09-09. Review status: criteria provided, single submitter. Criteria: Invitae Variant Classification Sherloc (09022015). Collection method: clinical testing. Allele origin: germline.
Comment: This sequence change results in a premature translational stop signal in the APC gene (p.Tyr737*). While this is not anticipated to result in nonsense mediated decay, it is expected to disrupt the last 2107 amino acids of the APC protein. A different truncation (p.Tyr2645Lysfs*14) that lies downstream of this variant has been determined to be pathogenic (PMID: 9824584, 1316610, 27081525, 8381579, 22135120, Invitae). This suggests that deletion of this region of the APC protein is causative of disease. For these reasons, this variant has been classified as Pathogenic. This variant is expected to disrupt the EB1 and HDLG binding sites, which mediate interactions with the cytoskeleton (PMID: 15311282, 17293347). While functional studies have not been performed to directly test the effect on APC protein function, this suggests that disruption of the C-terminal portion of the protein is functionally important. This variant has not been reported in the literature in individuals with APC-related conditions. This variant is not present in population databases (ExAC no frequency).

Literature cited by the submitters: PubMed 9824584 (cited by Labcorp Genetics (formerly Invitae), Labcorp); PubMed 1316610 (cited by Labcorp Genetics (formerly Invitae), Labcorp); PubMed 27081525 (cited by Labcorp Genetics (formerly Invitae), Labcorp); PubMed 8381579 (cited by Labcorp Genetics (formerly Invitae), Labcorp); PubMed 22135120 (cited by Labcorp Genetics (formerly Invitae), Labcorp); PubMed 15311282 (cited by Labcorp Genetics (formerly Invitae), Labcorp); PubMed 17293347 (cited by Labcorp Genetics (formerly Invitae), Labcorp).